The following is an entry in ClinVar:

ClinVar aggregate classification (germline): Uncertain significance (1 of 4 stars; one submission).

Allele frequency attached by ClinVar (database versions not stated): ExAC 0.00001; gnomAD exomes 0.00001.
gnomAD v4.1: 7 of 1,528,030 alleles (0.00046%); highest among the groups gnomAD compares: Middle Eastern, 0.017%; no homozygotes.

Submission:

Labcorp Genetics (formerly Invitae), Labcorp
Classification: Uncertain significance. Last evaluated: 2022-04-18. Review status: criteria provided, single submitter. Criteria: Invitae Variant Classification Sherloc (09022015). Collection method: clinical testing. Allele origin: germline.
Comment: The frequency data for this variant in the population databases is considered unreliable, as metrics indicate poor data quality at this position in the gnomAD database. This sequence change falls in intron 2 of the HOMER2 gene. It does not directly change the encoded amino acid sequence of the HOMER2 protein. It affects a nucleotide within the consensus splice site. This variant has not been reported in the literature in individuals affected with HOMER2-related conditions. In summary, the available evidence is currently insufficient to determine the role of this variant in disease. Therefore, it has been classified as a Variant of Uncertain Significance. Variants that disrupt the consensus splice site are a relatively common cause of aberrant splicing (PMID: 17576681, 9536098). Algorithms developed to predict the effect of sequence changes on RNA splicing suggest that this variant is not likely to affect RNA splicing.

Literature cited by the submitters: PubMed 17576681; PubMed 9536098.

NM_004839.4(HOMER2):c.162+4C>T

Gene: HOMER2 (homer scaffold protein 2; minus strand). Cytogenetic location: 15q25.2.
Variant type: single nucleotide variant.
Coding change: c.162+4C>T on transcript NM_004839.4 (MANE Select); 4 bases into the intron after coding-DNA position 162, C replaced by T.
Molecular consequence: intron variant.
Genome position (GRCh38, 1-based): chr15:82,892,681, G>A on the plus strand (C>T on the coding strand, the complement: HOMER2 is on the minus strand). VCF-style: chr15-82892681-G-A. GRCh37 (hg19) VCF-style: chr15-83561433-G-A.
Other names: c.162+4C>T (NM_199330.3).
Identifiers: ClinVar variation 2090413 (VCV002090413.4), dbSNP rs776815374, ClinGen allele CA7702262.